The following is an entry in ClinVar:

ClinVar aggregate classification (germline): Uncertain significance. Review status: criteria provided, multiple submitters, no conflicts (2 of 4 stars). 2 submissions from 2 submitters: Uncertain significance (2). Last evaluated 2025-12-14.

Conditions:
Cardiovascular phenotype. Identifiers: MedGen CN230736.
Hereditary cancer-predisposing syndrome. Also called: Neoplastic Syndromes, Hereditary; Tumor predisposition; Hereditary Cancer Syndrome; Hereditary neoplastic syndrome. Identifiers: Orphanet 140162, MedGen C0027672, MeSH D009386, MONDO:0015356.
Neurofibromatosis, type 1 (NF1). Also called: NEUROFIBROMATOSIS, TYPE I, SOMATIC; Neurofibromatosis, type I; VON RECKLINGHAUSEN DISEASE; Peripheral type neurofibromatosis. Identifiers: Orphanet 636, MedGen C0027831, MONDO:0018975, OMIM 162200. Disease mechanism: loss of function.

Submissions (2):

Labcorp Genetics (formerly Invitae), Labcorp
Classification: Uncertain significance for Neurofibromatosis, type 1. Last evaluated: 2025-12-14. Review status: criteria provided, single submitter. Criteria: Invitae Variant Classification Sherloc (09022015). Collection method: clinical testing. Allele origin: germline.
Comment: This sequence change replaces serine, which is neutral and polar, with glycine, which is neutral and non-polar, at codon 892 of the NF1 protein (p.Ser892Gly). This variant is not present in population databases (gnomAD no frequency). This variant has not been reported in the literature in individuals affected with NF1-related conditions. ClinVar contains an entry for this variant (Variation ID: 4024179). Invitae Evidence Modeling of protein sequence and biophysical properties (such as structural, functional, and spatial information, amino acid conservation, physicochemical variation, residue mobility, and thermodynamic stability) indicates that this missense variant is not expected to disrupt NF1 protein function with a negative predictive value of 95%. In summary, the available evidence is currently insufficient to determine the role of this variant in disease. Therefore, it has been classified as a Variant of Uncertain Significance.

Ambry Genetics
Classification: Uncertain significance for Cardiovascular phenotype; Hereditary cancer-predisposing syndrome. Last evaluated: 2025-04-21. Review status: criteria provided, single submitter. Criteria: Ambry Variant Classification Scheme 2023. Collection method: clinical testing. Allele origin: germline.
Comment: The p.S892G variant (also known as c.2674A>G), located in coding exon 21 of the NF1 gene, results from an A to G substitution at nucleotide position 2674. The serine at codon 892 is replaced by glycine, an amino acid with similar properties. This amino acid position is conserved. In addition, the in silico prediction for this alteration is inconclusive. Based on the available evidence, the clinical significance of this variant remains unclear.

NM_001042492.3(NF1):c.2674A>G (p.Ser892Gly)

Gene: NF1 (neurofibromin 1; plus strand). Cytogenetic location: 17q11.2.
Variant type: single nucleotide variant.
Coding change: c.2674A>G on transcript NM_001042492.3 (MANE Select); coding-DNA position 2674, A replaced by G.
Protein change: p.Ser892Gly; replaces serine 892 with glycine.
Molecular consequence: missense variant.
Genome position (GRCh38, 1-based): chr17:31,229,289, A>G. VCF-style: chr17-31229289-A-G. GRCh37 (hg19) VCF-style: chr17-29556307-A-G.
Other names: c.2674A>G, p.Ser892Gly (NM_000267.4); short protein forms S892G.
Identifiers: ClinVar variation 4024179 (VCV004024179.2).
Genomic context (GRCh38, chr17:31,229,289, plus strand): 5'-GAACGTAAGGGTTCTATGATTTCAGTGATGTCTTCAGAGGGAAACGCAGATACACCTGTC[A>G]GCAAATTTATGGATCGGCTGTTGTCCTTAATGGTGTGTAACCATGAGAAAGTGGGACTTC-3'
Protein context (NP_001035957.1, residues 882-902): SSEGNADTPV[Ser892Gly]KFMDRLLSLM